The following is an entry in ClinVar:

ClinVar aggregate classification (germline): Uncertain significance (1 of 4 stars; one submission).

Submission:

Labcorp Genetics (formerly Invitae), Labcorp
Classification: Uncertain significance. Last evaluated: 2024-04-15. Review status: criteria provided, single submitter. Criteria: Invitae Variant Classification Sherloc (09022015). Collection method: clinical testing. Allele origin: germline.
Comment: This sequence change replaces alanine, which is neutral and non-polar, with serine, which is neutral and polar, at codon 992 of the MSH3 protein (p.Ala992Ser). This variant is not present in population databases (gnomAD no frequency). This variant has not been reported in the literature in individuals affected with MSH3-related conditions. ClinVar contains an entry for this variant (Variation ID: 1051034). An algorithm developed to predict the effect of missense changes on protein structure and function (PolyPhen-2) suggests that this variant is likely to be disruptive. In summary, the available evidence is currently insufficient to determine the role of this variant in disease. Therefore, it has been classified as a Variant of Uncertain Significance.

NM_002439.5(MSH3):c.2974G>T (p.Ala992Ser)

Gene: MSH3 (mutS homolog 3; plus strand). Cytogenetic location: 5q14.1.
Variant type: single nucleotide variant.
Coding change: c.2974G>T on transcript NM_002439.5 (MANE Select); coding-DNA position 2974, G replaced by T.
Protein change: p.Ala992Ser; replaces alanine 992 with serine.
Molecular consequence: missense variant.
Genome position (GRCh38, 1-based): chr5:80,854,290, G>T. VCF-style: chr5-80854290-G-T. GRCh37 (hg19) VCF-style: chr5-80150109-G-T.
Other names: short protein forms A992S.
Identifiers: ClinVar variation 1051034 (VCV001051034.9), dbSNP rs2112106635, ClinGen allele CA360275808.